The following is an entry in ClinVar:

ClinVar aggregate classification (germline): Uncertain significance. Review status: criteria provided, multiple submitters, no conflicts (2 of 4 stars). 2 submissions from 2 submitters: Uncertain significance (2). Last evaluated 2025-10-30.

Allele frequency attached by ClinVar (database versions not stated): gnomAD exomes below 0.00001; TOPMed below 0.00001; ExAC 0.00001.
gnomAD v4.1: 6 of 1,614,086 alleles (0.00037%); highest among the groups gnomAD compares: Non-Finnish European, 0.00042%; no homozygotes.

Submissions (2):

Ambry Genetics
Classification: Uncertain significance. Last evaluated: 2025-10-30. Review status: criteria provided, single submitter. Criteria: Ambry Variant Classification Scheme 2023. Collection method: clinical testing. Allele origin: germline.

Labcorp Genetics (formerly Invitae), Labcorp
Classification: Uncertain significance. Last evaluated: 2018-05-09. Review status: criteria provided, single submitter. Criteria: Invitae Variant Classification Sherloc (09022015). Collection method: clinical testing. Allele origin: germline.
Comment: In summary, the available evidence is currently insufficient to determine the role of this variant in disease. Therefore, it has been classified as a Variant of Uncertain Significance. Algorithms developed to predict the effect of missense changes on protein structure and function do not agree on the potential impact of this missense change (SIFT: "Tolerated"; PolyPhen-2: "Probably Damaging"; Align-GVGD: "Class C0"). This variant has not been reported in the literature in individuals with RINT1-related disease. This variant is present in population databases (rs776859681, ExAC 0.001%). This sequence change replaces leucine with phenylalanine at codon 274 of the RINT1 protein (p.Leu274Phe). The leucine residue is highly conserved and there is a small physicochemical difference between leucine and phenylalanine.

NM_021930.6(RINT1):c.820C>T (p.Leu274Phe)

Gene: RINT1 (RAD50 interactor 1; plus strand). Cytogenetic location: 7q22.3.
Variant type: single nucleotide variant.
Coding change: c.820C>T on transcript NM_021930.6 (MANE Select); coding-DNA position 820, C replaced by T.
Protein change: p.Leu274Phe; replaces leucine 274 with phenylalanine.
Molecular consequence: missense variant. On other transcripts: 5 prime UTR variant (2), non-coding transcript variant (1), intron variant (1).
Genome position (GRCh38, 1-based): chr7:105,547,314, C>T. VCF-style: chr7-105547314-C-T. GRCh37 (hg19) VCF-style: chr7-105187761-C-T.
Other names: c.586C>T, p.Leu196Phe (NM_001346599.2); c.-200C>T (NM_001346600.2); c.-103C>T (NM_001346601.2); c.-27-2741C>T (NM_001346603.2); short protein forms L196F, L274F.
Identifiers: ClinVar variation 1045783 (VCV001045783.13), dbSNP rs776859681, ClinGen allele CA4426536.
Genomic context (GRCh38, chr7:105,547,314, plus strand): 5'-TTAAGTCGACCTGCCAGTGCCCCGGAGATATACAGTTACCTGGAGACACTGTTTTGTCAG[C>T]TTTTGAAACTACAAACCTCGTATCTTTGTTGCAGCTGAAAACTTACTAAAATTTCTTTTT-3'
Protein context (NP_068749.3, residues 264-284): YSYLETLFCQ[Leu274Phe]LKLQTSDELL